The following is an entry in ClinVar:

ClinVar aggregate classification (germline): Uncertain significance. Review status: criteria provided, multiple submitters, no conflicts (2 of 4 stars). 2 submissions from 2 submitters: Uncertain significance (2). Last evaluated 2024-07-10.

Allele frequency attached by ClinVar (database versions not stated): gnomAD 0.00003.
gnomAD v4.1: 71 of 1,613,952 alleles (0.0044%); highest among the groups gnomAD compares: African/African-American, 0.008%; no homozygotes.

Submissions (2):

GeneDx
Classification: Uncertain significance. Last evaluated: 2024-07-10. Review status: criteria provided, single submitter. Criteria: GeneDx Variant Classification Process June 2021. Collection method: clinical testing. Allele origin: germline. Affected: yes.
Comment: Not observed at significant frequency in large population cohorts (gnomAD); In silico analysis supports that this missense variant has a deleterious effect on protein structure/function; Has not been previously published as pathogenic or benign to our knowledge

CeGaT Center for Human Genetics Tuebingen
Classification: Uncertain significance. Last evaluated: 2024-06-01. Review status: criteria provided, single submitter. Criteria: CeGaT Center For Human Genetics Tuebingen Variant Classification Criteria Version 2. Collection method: clinical testing. Allele origin: germline. Affected: yes. Observed: 1 variant allele.
Comment: CNTNAP1: PM2

NM_003632.3(CNTNAP1):c.3362G>A (p.Arg1121Gln)

Gene: CNTNAP1 (contactin associated protein 1; plus strand). Cytogenetic location: 17q21.2.
Variant type: single nucleotide variant.
Coding change: c.3362G>A on transcript NM_003632.3 (MANE Select); coding-DNA position 3362, G replaced by A.
Protein change: p.Arg1121Gln; replaces arginine 1121 with glutamine.
Molecular consequence: missense variant.
Genome position (GRCh38, 1-based): chr17:42,696,040, G>A. VCF-style: chr17-42696040-G-A. GRCh37 (hg19) VCF-style: chr17-40848058-G-A.
Other names: c.3362G>A (NM_003632.2); short protein forms R1121Q.
Identifiers: ClinVar variation 3250878 (VCV003250878.19), dbSNP rs1481386569.